The following is an entry in ClinVar:

ClinVar aggregate classification (germline): Uncertain significance (1 of 4 stars; one submission).

Allele frequency attached by ClinVar (database versions not stated): ExAC 0.00002; TOPMed 0.00005; 1000 Genomes Project 30x 0.00031; 1000 Genomes Project 0.00040.
gnomAD v4.1: 16 of 1,614,174 alleles (0.00099%); highest among the groups gnomAD compares: African/African-American, 0.017%; no homozygotes.

Submission:

Labcorp Genetics (formerly Invitae), Labcorp
Classification: Uncertain significance. Last evaluated: 2024-01-06. Review status: criteria provided, single submitter. Criteria: Invitae Variant Classification Sherloc (09022015). Collection method: clinical testing. Allele origin: germline.
Comment: This sequence change replaces leucine, which is neutral and non-polar, with isoleucine, which is neutral and non-polar, at codon 4933 of the FAT4 protein (p.Leu4933Ile). This variant is present in population databases (rs535040673, gnomAD 0.03%). This variant has not been reported in the literature in individuals affected with FAT4-related conditions. Advanced modeling of protein sequence and biophysical properties (such as structural, functional, and spatial information, amino acid conservation, physicochemical variation, residue mobility, and thermodynamic stability) performed at Invitae indicates that this missense variant is not expected to disrupt FAT4 protein function with a negative predictive value of 95%. In summary, the available evidence is currently insufficient to determine the role of this variant in disease. Therefore, it has been classified as a Variant of Uncertain Significance.

NM_001291303.3(FAT4):c.14803C>A (p.Leu4935Ile)

Gene: FAT4 (FAT atypical cadherin 4; plus strand). Cytogenetic location: 4q28.1.
Variant type: single nucleotide variant.
Coding change: c.14803C>A on transcript NM_001291303.3 (MANE Select); coding-DNA position 14803, C replaced by A.
Protein change: p.Leu4935Ile; replaces leucine 4935 with isoleucine.
Molecular consequence: missense variant.
Genome position (GRCh38, 1-based): chr4:125,491,619, C>A. VCF-style: chr4-125491619-C-A. GRCh37 (hg19) VCF-style: chr4-126412774-C-A.
Other names: c.14800C>A, p.Leu4934Ile (NM_001291285.3); c.14797C>A, p.Leu4933Ile (NM_024582.6); short protein forms L4933I, L4934I, L4935I.
Identifiers: ClinVar variation 2727652 (VCV002727652.1), dbSNP rs535040673, ClinGen allele CA3074626.
Genomic context (GRCh38, chr4:125,491,619, plus strand): 5'-GCTGACAACACACTGCCCATGAAGCTAGGGCAGCAAGCAGGGACTTTCAACTGGGACAAC[C>A]TTTTGAACTGGGGCCCTGGCTTTGGCCATTATGTAGATGTTTTTAAAGATTTGGCATCTC-3'
Protein context (NP_001278232.1, residues 4925-4945): QQAGTFNWDN[Leu4935Ile]LNWGPGFGHY